The following is an entry in ClinVar:

ClinVar aggregate classification (germline): Uncertain significance. Review status: criteria provided, multiple submitters, no conflicts (2 of 4 stars). 2 submissions from 2 submitters: Uncertain significance (2). Last evaluated 2025-12-20.

Allele frequency attached by ClinVar (database versions not stated): TOPMed below 0.00001; gnomAD 0.00001.
gnomAD v4.1: 2 of 1,612,108 alleles (0.00012%); highest among the groups gnomAD compares: Non-Finnish European, 0.000085%; no homozygotes.

Submissions (2):

Ambry Genetics
Classification: Uncertain significance. Last evaluated: 2025-12-20. Review status: criteria provided, single submitter. Criteria: Ambry Variant Classification Scheme 2023. Collection method: clinical testing. Allele origin: germline.
Comment: The p.D12A variant (also known as c.35A>C), located in coding exon 2 of the RECQL gene, results from an A to C substitution at nucleotide position 35. The aspartic acid at codon 12 is replaced by alanine, an amino acid with dissimilar properties. This amino acid position is conserved. In addition, this alteration is predicted to be tolerated by in silico analysis. Since supporting evidence is limited at this time, the clinical significance of this alteration remains unclear.

Labcorp Genetics (formerly Invitae), Labcorp
Classification: Uncertain significance. Last evaluated: 2022-07-22. Review status: criteria provided, single submitter. Criteria: Invitae Variant Classification Sherloc (09022015). Collection method: clinical testing. Allele origin: germline.
Comment: This sequence change replaces aspartic acid, which is acidic and polar, with alanine, which is neutral and non-polar, at codon 12 of the RECQL protein (p.Asp12Ala). This variant is not present in population databases (gnomAD no frequency). This variant has not been reported in the literature in individuals affected with RECQL-related conditions. Algorithms developed to predict the effect of missense changes on protein structure and function (SIFT, PolyPhen-2, Align-GVGD) all suggest that this variant is likely to be tolerated. In summary, the available evidence is currently insufficient to determine the role of this variant in disease. Therefore, it has been classified as a Variant of Uncertain Significance.

NM_002907.4(RECQL):c.35A>C (p.Asp12Ala)

Gene: RECQL (RecQ like helicase; minus strand). Cytogenetic location: 12p12.1.
Variant type: single nucleotide variant.
Coding change: c.35A>C on transcript NM_002907.4 (MANE Select); coding-DNA position 35, A replaced by C.
Protein change: p.Asp12Ala; replaces aspartic acid 12 with alanine.
Molecular consequence: missense variant.
Genome position (GRCh38, 1-based): chr12:21,491,698, T>G on the plus strand (A>C on the coding strand, the complement: RECQL is on the minus strand). VCF-style: chr12-21491698-T-G. GRCh37 (hg19) VCF-style: chr12-21644632-T-G.
Other names: c.35A>C, p.Asp12Ala (NM_032941.3); short protein forms D12A.
Identifiers: ClinVar variation 1733058 (VCV001733058.8), dbSNP rs1237849728, ClinGen allele CA384134712.
Genomic context (GRCh38, chr12:21,491,698, plus strand): 5'-TGCCTTTCCGTAAGTTCTTGAATTTGAATTTCTACTGCATGTAGCTCACTGGTTATAGAA[T>G]CCAGTTCCTCAGTTAGAGCTATGGGAGGCAGCGCGGATACAATGATTAGACAGAGTAAAT-3'
Protein context (NP_002898.2, residues 2-22): ASVSALTEEL[Asp12Ala]SITSELHAVE